The following is an entry in ClinVar:

NM_004360.5(CDH1):c.1084G>A (p.Val362Met)

Gene: CDH1 (cadherin 1; plus strand). Cytogenetic location: 16q22.1.
Variant type: single nucleotide variant.
Coding change: c.1084G>A on transcript NM_004360.5 (MANE Select); coding-DNA position 1084, G replaced by A.
Protein change: p.Val362Met; replaces valine 362 with methionine.
Molecular consequence: missense variant. On other transcripts: 5 prime UTR variant (2).
Genome position (GRCh38, 1-based): chr16:68,812,210, G>A. VCF-style: chr16-68812210-G-A. GRCh37 (hg19) VCF-style: chr16-68846113-G-A.
Other names: c.1084G>A, p.Val362Met (NM_001317184.2); c.-532G>A (NM_001317185.2); c.-736G>A (NM_001317186.2); short protein forms V362M.
Identifiers: ClinVar variation 2811844 (VCV002811844.3), dbSNP rs2152132626, ClinGen allele CA396460074.

ClinVar aggregate classification (germline): Uncertain significance (1 of 4 stars; one submission).

Conditions:
Hereditary diffuse gastric adenocarcinoma (HDGC). Also called: DIFFUSE GASTRIC AND LOBULAR BREAST CANCER SYNDROME. Identifiers: Orphanet 26106, MedGen C1708349, MONDO:0007648, OMIM 137215.

Submission:

Labcorp Genetics (formerly Invitae), Labcorp
Classification: Uncertain significance for Hereditary diffuse gastric adenocarcinoma. Last evaluated: 2022-11-03. Review status: criteria provided, single submitter. Criteria: Invitae Variant Classification Sherloc (09022015). Collection method: clinical testing. Allele origin: germline.
Comment: This sequence change replaces valine, which is neutral and non-polar, with methionine, which is neutral and non-polar, at codon 362 of the CDH1 protein (p.Val362Met). This variant is not present in population databases (gnomAD no frequency). This variant has not been reported in the literature in individuals affected with CDH1-related conditions. Algorithms developed to predict the effect of missense changes on protein structure and function output the following: SIFT: "Deleterious"; PolyPhen-2: "Benign"; Align-GVGD: "Class C0". The methionine amino acid residue is found in multiple mammalian species, which suggests that this missense change does not adversely affect protein function. In summary, the available evidence is currently insufficient to determine the role of this variant in disease. Therefore, it has been classified as a Variant of Uncertain Significance.